The following is an entry in ClinVar:

ClinVar aggregate classification (germline): Uncertain significance. Review status: criteria provided, multiple submitters, no conflicts (2 of 4 stars). 2 submissions from 2 submitters: Uncertain significance (2). Last evaluated 2026-01-11.

Conditions:
Atrioventricular septal defect 4 (AVSD4). Identifiers: MedGen C3280781, MONDO:0013747, OMIM 614430.

Allele frequency attached by ClinVar (database versions not stated): gnomAD exomes 0.00004; ExAC 0.00012; ESP Exome Variant Server 0.00016; gnomAD 0.00016 and 0.00017; TOPMed 0.00023; 1000 Genomes Project 0.00040; 1000 Genomes Project 30x 0.00062.
gnomAD v4.1: 42 of 1,584,238 alleles (0.0027%); highest among the groups gnomAD compares: African/African-American, 0.048%; no homozygotes.

Submissions (2):

Labcorp Genetics (formerly Invitae), Labcorp
Classification: Uncertain significance for Atrioventricular septal defect 4. Last evaluated: 2026-01-11. Review status: criteria provided, single submitter. Criteria: Invitae Variant Classification Sherloc (09022015). Collection method: clinical testing. Allele origin: germline.
Comment: This sequence change replaces glutamine, which is neutral and polar, with proline, which is neutral and non-polar, at codon 3 of the GATA4 protein (p.Gln3Pro). This variant is present in population databases (rs374132087, gnomAD 0.06%), and has an allele count higher than expected for a pathogenic variant. This variant has not been reported in the literature in individuals affected with GATA4-related conditions. ClinVar contains an entry for this variant (Variation ID: 472782). Invitae Evidence Modeling of protein sequence and biophysical properties (such as structural, functional, and spatial information, amino acid conservation, physicochemical variation, residue mobility, and thermodynamic stability) has been performed for this missense variant. However, the output from this modeling did not meet the statistical confidence thresholds required to predict the impact of this variant on GATA4 protein function. In summary, the available evidence is currently insufficient to determine the role of this variant in disease. Therefore, it has been classified as a Variant of Uncertain Significance.

GeneDx
Classification: Uncertain significance. Last evaluated: 2025-11-18. Review status: criteria provided, single submitter. Criteria: GeneDx Variant Classification Process June 2021. Collection method: clinical testing. Allele origin: germline. Affected: yes.
Comment: Not observed among 157 patients with congenital heart disease, but was observed in an unaffected control (PMID: 17352393); In silico analysis supports that this missense variant has a deleterious effect on protein structure/function; This variant is associated with the following publications: (PMID: 17352393)

NM_001308093.3(GATA4):c.8A>C (p.Gln3Pro)

Gene: GATA4 (GATA binding protein 4). Cytogenetic location: 8p23.1.
Variant type: single nucleotide variant.
Coding change: c.8A>C on transcript NM_001308093.3 (MANE Select); coding-DNA position 8, A replaced by C.
Protein change: p.Gln3Pro; replaces glutamine 3 with proline.
Molecular consequence: missense variant. On other transcripts: intron variant (3).
Genome position (GRCh38, 1-based): chr8:11,708,320, A>C. VCF-style: chr8-11708320-A-C. GRCh37 (hg19) VCF-style: chr8-11565829-A-C.
Other names: c.8A>C, p.Gln3Pro (NM_002052.5); c.-6+7542A>C (NM_001308094.2); c.-3+306A>C (NM_001374274.1); c.-3+4016A>C (NM_001374273.1); short protein forms Q3P.
Identifiers: ClinVar variation 472782 (VCV000472782.14), dbSNP rs374132087, ClinGen allele CA4630587.